The following is an entry in ClinVar:

NM_001122752.2(SERPINI1):c.154A>G (p.Ser52Gly)

Gene: SERPINI1 (serpin family I member 1; plus strand). Cytogenetic location: 3q26.1.
Variant type: single nucleotide variant.
Coding change: c.154A>G on transcript NM_001122752.2 (MANE Select); coding-DNA position 154, A replaced by G.
Protein change: p.Ser52Gly; replaces serine 52 with glycine.
Molecular consequence: missense variant.
Genome position (GRCh38, 1-based): chr3:167,789,282, A>G. VCF-style: chr3-167789282-A-G. GRCh37 (hg19) VCF-style: chr3-167507070-A-G.
Other names: c.154A>G, p.Ser52Gly (NM_005025.5); short protein forms S52G.
Identifiers: ClinVar variation 4291921 (VCV004291921.1).
Genomic context (GRCh38, chr3:167,789,282, plus strand): 5'-AATATGTATAATCGTCTTAGAGCCACTGGTGAAGATGAAAATATTCTCTTCTCTCCATTG[A>G]GTATTGCTCTTGCAATGGGAATGATGGAACTTGGGGCCCAAGGATCTACCCAGAAAGAAA-3'
Protein context (NP_001116224.1, residues 42-62): EDENILFSPL[Ser52Gly]IALAMGMMEL

ClinVar aggregate classification (germline): Uncertain significance (1 of 4 stars; one submission).

Conditions:
Familial encephalopathy with neuroserpin inclusion bodies. Also called: ENCEPHALOPATHY, FAMILIAL, WITH COLLINS BODIES. Identifiers: Orphanet 85110, MedGen C1858680, MONDO:0011412, OMIM 604218.

Submission:

3billion
Classification: Uncertain significance for Familial encephalopathy with neuroserpin inclusion bodies. Last evaluated: 2024-12-12. Review status: criteria provided, single submitter. Criteria: ACMG Guidelines, 2015. Collection method: clinical testing. Allele origin: germline. Affected: yes.
Comment: The variant is not observed in the gnomAD v4.1.0 dataset. Predicted Consequence/Location: Missense variant. Missense changes are a common disease-causing mechanism. In silico tool predictions suggest damaging effect of the variant on gene or gene product [3Cnet: 0.91 (>=0.6, sensitivity 0.72 and precision 0.9)]. A different missense change at the same codon (p.Ser52Arg) has been reported to be associated with SERPINI1-related disorder (ClinVar ID: VCV000007087 /PMID: 10517635). However the evidence of pathogenicity is insufficient at this time. Therefore, this variant is classified as VUS according to the recommendation of ACMG/AMP guideline.

Literature cited by the submitters: PubMed 10517635.